The following is an entry in ClinVar:

NM_147127.5(EVC2):c.1811C>T (p.Ser604Leu)

Gene: EVC2 (EvC ciliary complex subunit 2; minus strand). Cytogenetic location: 4p16.2.
Variant type: single nucleotide variant.
Coding change: c.1811C>T on transcript NM_147127.5 (MANE Select); coding-DNA position 1811, C replaced by T.
Protein change: p.Ser604Leu; replaces serine 604 with leucine.
Molecular consequence: missense variant.
Genome position (GRCh38, 1-based): chr4:5,628,634, G>A on the plus strand (C>T on the coding strand, the complement: EVC2 is on the minus strand). VCF-style: chr4-5628634-G-A. GRCh37 (hg19) VCF-style: chr4-5630361-G-A.
Other names: c.1571C>T, p.Ser524Leu (NM_001166136.2); short protein forms S524L, S604L.
Identifiers: ClinVar variation 2419617 (VCV002419617.6), dbSNP rs2475395830, ClinGen allele CA356147647.

ClinVar aggregate classification (germline): Uncertain significance (1 of 4 stars; one submission).

Conditions:
Curry-Hall syndrome (WAD). Also called: WEYERS ACRODENTAL DYSOSTOSIS. Identifiers: Orphanet 952, MedGen C0457013, MONDO:0008673, OMIM 193530.
Ellis-van Creveld syndrome (EVC). Also called: EVC-Related Ellis-van Creveld Syndrome; EVC2-Related Ellis-van Creveld Syndrome; Chondroectodermal dysplasia; MESOECTODERMAL DYSPLASIA. Identifiers: Orphanet 289, MedGen C0013903, MONDO:0009162, OMIM 225500.

Allele frequency attached by ClinVar (database versions not stated): gnomAD exomes below 0.00001.
gnomAD v4.1: 2 of 1,614,000 alleles (0.00012%); highest among the groups gnomAD compares: Admixed American, 0.0033%; no homozygotes.

Submission:

Labcorp Genetics (formerly Invitae), Labcorp
Classification: Uncertain significance for Curry-Hall syndrome; Ellis-van Creveld syndrome. Last evaluated: 2025-02-24. Review status: criteria provided, single submitter. Criteria: Invitae Variant Classification Sherloc (09022015). Collection method: clinical testing. Allele origin: germline.
Comment: This sequence change replaces serine, which is neutral and polar, with leucine, which is neutral and non-polar, at codon 604 of the EVC2 protein (p.Ser604Leu). This variant is not present in population databases (gnomAD no frequency). This variant has not been reported in the literature in individuals affected with EVC2-related conditions. ClinVar contains an entry for this variant (Variation ID: 2419617). An algorithm developed to predict the effect of missense changes on protein structure and function (PolyPhen-2) suggests that this variant is likely to be disruptive. In summary, the available evidence is currently insufficient to determine the role of this variant in disease. Therefore, it has been classified as a Variant of Uncertain Significance.